The following is an entry in ClinVar:

NM_013372.7(GREM1):c.320G>T (p.Gly107Val)

Gene: GREM1 (gremlin 1, DAN family BMP antagonist; plus strand). Cytogenetic location: 15q13.3.
Variant type: single nucleotide variant.
Coding change: c.320G>T on transcript NM_013372.7 (MANE Select); coding-DNA position 320, G replaced by T.
Protein change: p.Gly107Val; replaces glycine 107 with valine.
Molecular consequence: missense variant.
Genome position (GRCh38, 1-based): chr15:32,731,010, G>T. VCF-style: chr15-32731010-G-T. GRCh37 (hg19) VCF-style: chr15-33023211-G-T.
Other names: c.110G>T, p.Gly37Val (NM_001191322.2); c.197G>T, p.Gly66Val (NM_001191323.2); c.320G>T, p.Gly107Val (NM_001368719.1); short protein forms G37V, G66V, G107V.
Identifiers: ClinVar variation 3522503 (VCV003522503.1).

ClinVar aggregate classification (germline): Uncertain significance (1 of 4 stars; one submission).

Conditions:
Hereditary cancer-predisposing syndrome. Also called: Hereditary Cancer Syndrome; Hereditary neoplastic syndrome; Tumor predisposition; Neoplastic Syndromes, Hereditary. Identifiers: Orphanet 140162, MedGen C0027672, MeSH D009386, MONDO:0015356.

Submission:

Ambry Genetics
Classification: Uncertain significance for Hereditary cancer-predisposing syndrome. Last evaluated: 2024-06-26. Review status: criteria provided, single submitter. Criteria: Ambry Variant Classification Scheme 2023. Collection method: clinical testing. Allele origin: germline.
Comment: The p.G107V variant (also known as c.320G>T), located in coding exon 1 of the GREM1 gene, results from a G to T substitution at nucleotide position 320. The glycine at codon 107 is replaced by valine, an amino acid with dissimilar properties. This amino acid position is conserved. In addition, this alteration is predicted to be deleterious by in silico analysis. Based on the available evidence, the clinical significance of this variant remains unclear.